The following is an entry in ClinVar:

NM_001081.4(CUBN):c.10295C>G (p.Thr3432Ser)

Gene: CUBN (cubilin; minus strand). Cytogenetic location: 10p13.
Variant type: single nucleotide variant.
Coding change: c.10295C>G on transcript NM_001081.4 (MANE Select); coding-DNA position 10295, C replaced by G.
Protein change: p.Thr3432Ser; replaces threonine 3432 with serine.
Molecular consequence: missense variant.
Genome position (GRCh38, 1-based): chr10:16,835,081, G>C on the plus strand (C>G on the coding strand, the complement: CUBN is on the minus strand). VCF-style: chr10-16835081-G-C. GRCh37 (hg19) VCF-style: chr10-16877080-G-C.
Other names: short protein forms T3432S.
Identifiers: ClinVar variation 299362 (VCV000299362.25), dbSNP rs7898873, ClinGen allele CA5422410.

ClinVar aggregate classification (germline): Benign. Review status: criteria provided, multiple submitters, no conflicts (2 of 4 stars). 6 submissions from 6 submitters: Benign (6). Last evaluated 2026-02-01.

Conditions:
Imerslund-Grasbeck syndrome type 1 (IGS1). Also called: Megaloblastic anemia 1, Finnish type; MEGALOBLASTIC ANEMIA, 1; Imerslund-Gräsbeck syndrome 1. Identifiers: MedGen C4016819, MONDO:0100156, OMIM 261100.
Imerslund-Grasbeck syndrome. Also called: Megaloblastic anemia due to inborn errors of metabolism; Imerslund-Gräsbeck syndrome; ENTEROCYTE COBALAMIN MALABSORPTION; ENTEROCYTE INTRINSIC FACTOR RECEPTOR, DEFECT OF; PERNICIOUS ANEMIA, JUVENILE, DUE TO SELECTIVE INTESTINAL MALABSORPTION OF VITAMIN B12, WITH PROTEINURIA. Identifiers: Orphanet 35858, MedGen C4551825, MONDO:0009853.

Allele frequency attached by ClinVar (database versions not stated): gnomAD 0.06787; 1000 Genomes Project 0.07947; TOPMed 0.08011; ESP Exome Variant Server 0.08365; 1000 Genomes Project 30x 0.08573.
gnomAD v4.1: 20,990 of 1,614,008 alleles (1.3%); highest among the groups gnomAD compares: African/African-American, 24%; 2,286 homozygotes.

Submissions (6):

Labcorp Genetics (formerly Invitae), Labcorp
Classification: Benign for Imerslund-Grasbeck syndrome. Last evaluated: 2026-02-01. Review status: criteria provided, single submitter. Criteria: Invitae Variant Classification Sherloc (09022015). Collection method: clinical testing. Allele origin: germline.

ARUP Laboratories, Molecular Genetics and Genomics, ARUP Laboratories
Classification: Benign. Last evaluated: 2023-11-29. Review status: criteria provided, single submitter. Criteria: ARUP Molecular Germline Variant Investigation Process 2024. Collection method: clinical testing. Allele origin: germline.

Mayo Clinic Laboratories, Mayo Clinic
Classification: Benign. Last evaluated: 2023-04-03. Review status: criteria provided, single submitter. Criteria: ACMG Guidelines, 2015. Collection method: clinical testing. Allele origin: germline. Observed: 24 variant alleles.

GeneDx
Classification: Benign. Last evaluated: 2019-02-21. Review status: criteria provided, single submitter. Criteria: GeneDx Variant Classification Process June 2021. Collection method: clinical testing. Allele origin: germline. Affected: yes.

Illumina Laboratory Services, Illumina
Classification: Benign for Imerslund-Grasbeck syndrome type 1. Last evaluated: 2018-01-13. Review status: criteria provided, single submitter. Criteria: ICSL Variant Classification Criteria 13 December 2019. Collection method: clinical testing. Allele origin: germline.
Comment: This variant was observed in the ICSL laboratory as part of a predisposition screen in an ostensibly healthy population. It had not been previously curated by ICSL or reported in the Human Gene Mutation Database (HGMD: prior to June 1st, 2018), and was therefore a candidate for classification through an automated scoring system. Utilizing variant allele frequency, disease prevalence and penetrance estimates, and inheritance mode, an automated score was calculated to assess if this variant is too frequent to cause the disease. Based on the score and internal cut-off values, a variant classified as benign is not then subjected to further curation. The score for this variant resulted in a classification of benign for this disease.

Breakthrough Genomics
Classification: Benign. Review status: criteria provided, single submitter. Criteria: ACMG Guidelines, 2015. Collection method: not provided. Allele origin: germline. Inheritance: Autosomal recessive inheritance. Affected: yes.